The following is an entry in ClinVar:

NM_000179.3(MSH6):c.3242del (p.Leu1081fs)

Gene: MSH6 (mutS homolog 6; plus strand). Cytogenetic location: 2p16.3.
Variant type: Deletion.
Coding change: c.3242del on transcript NM_000179.3 (MANE Select); coding-DNA position 3242, one base deleted (T; older notation c.3242delT).
Protein change: p.Leu1081fs; shifts the reading frame from leucine 1081.
Molecular consequence: frameshift variant.
Genome position (GRCh38, 1-based): chr2:47,803,489, T deleted; the last of 2 consecutive T bases (chr2:47,803,488-47,803,489); deleting either gives the same sequence. VCF-style (leftmost placement, unchanged base first): chr2-47803487-GT-G. GRCh37 (hg19) VCF-style: chr2-48030626-GT-G.
Other names: c.2852del, p.Leu951fs (NM_001281492.2); c.2336del, p.Leu779fs (NM_001281493.2, NM_001281494.2); short protein forms L1081fs, L779fs, L951fs.
Identifiers: ClinVar variation 823275 (VCV000823275.4), dbSNP rs1572735157, ClinGen allele CA915943948.

ClinVar aggregate classification (germline): Pathogenic (1 of 4 stars; one submission).

Conditions:
Hereditary cancer-predisposing syndrome. Also called: Tumor predisposition; Hereditary Cancer Syndrome; Neoplastic Syndromes, Hereditary; Hereditary neoplastic syndrome. Identifiers: Orphanet 140162, MedGen C0027672, MeSH D009386, MONDO:0015356.

Submission:

Ambry Genetics
Classification: Pathogenic for Hereditary cancer-predisposing syndrome. Last evaluated: 2019-07-29. Review status: criteria provided, single submitter. Criteria: Ambry Variant Classification Scheme 2023. Collection method: clinical testing. Allele origin: germline.
Comment: The c.3242delT pathogenic mutation, located in coding exon 5 of the MSH6 gene, results from a deletion of one nucleotide at nucleotide position 3242, causing a translational frameshift with a predicted alternate stop codon (p.L1081Cfs*9). This alteration is expected to result in loss of function by premature protein truncation or nonsense-mediated mRNA decay. As such, this alteration is interpreted as a disease-causing mutation.